The following is an entry in ClinVar:

ClinVar aggregate classification (germline): Benign (1 of 4 stars; one submission).

Allele frequency attached by ClinVar (database versions not stated): gnomAD 0.01835 and 0.01973; 1000 Genomes Project 0.01977; 1000 Genomes Project 30x 0.02046; TOPMed 0.02103.
gnomAD v4.1: 2,760 of 152,148 alleles (1.8%); highest among the groups gnomAD compares: African/African-American, 6.3%; 81 homozygotes.

Submission:

GeneDx
Classification: Benign. Last evaluated: 2018-06-16. Review status: criteria provided, single submitter. Criteria: GeneDx Variant Classification (06012015). Collection method: clinical testing. Allele origin: germline. Affected: yes.
Comment: This variant is considered likely benign or benign based on one or more of the following criteria: it is a conservative change, it occurs at a poorly conserved position in the protein, it is predicted to be benign by multiple in silico algorithms, and/or has population frequency not consistent with disease.

NM_020297.4(ABCC9):c.3892+224C>T

Genes: ABCC9 (ATP binding cassette subfamily C member 9; minus strand), KCNJ8-AS1 (KCNJ8 antisense RNA 1; plus strand). Cytogenetic location: 12p12.1.
Variant type: single nucleotide variant.
Coding change: c.3892+224C>T on transcript NM_020297.4 (MANE Select); 224 bases into the intron after coding-DNA position 3892, C replaced by T.
Molecular consequence: intron variant.
Genome position (GRCh38, 1-based): chr12:21,816,963, G>A on the plus strand (C>T on the coding strand, the complement: ABCC9 is on the minus strand). VCF-style: chr12-21816963-G-A. GRCh37 (hg19) VCF-style: chr12-21969897-G-A.
Other names: c.3025+224C>T (NM_001377274.1); c.3892+224C>T (NM_005691.4, NM_001377273.1).
Identifiers: ClinVar variation 679605 (VCV000679605.1), dbSNP rs58158490, ClinGen allele CA233616090.